The following is an entry in ClinVar:

ClinVar aggregate classification (germline): Uncertain significance (1 of 4 stars; one submission).

Conditions:
Deficiency of adenosine deaminase 2. Also called: Polyarteritis nodosa, childhoood-onset; Adenosine Deaminase 2 Deficiency; VASCULITIS, AUTOINFLAMMATION, IMMUNODEFICIENCY, AND HEMATOLOGIC DEFECTS SYNDROME. Identifiers: Orphanet 404553, MedGen C3887654, MONDO:0014306, OMIM 615688, MONDO:0100317.

Allele frequency attached by ClinVar (database versions not stated): gnomAD 0.00001; TOPMed 0.00001.
gnomAD v4.1: 1 of 1,612,132 alleles (0.000062%); highest among the groups gnomAD compares: Non-Finnish European, 0.000085%; no homozygotes.

Submission:

Labcorp Genetics (formerly Invitae), Labcorp
Classification: Uncertain significance for Deficiency of adenosine deaminase 2. Last evaluated: 2022-05-20. Review status: criteria provided, single submitter. Criteria: Invitae Variant Classification Sherloc (09022015). Collection method: clinical testing. Allele origin: germline.
Comment: In summary, the available evidence is currently insufficient to determine the role of this variant in disease. Therefore, it has been classified as a Variant of Uncertain Significance. Variants that disrupt the consensus splice site are a relatively common cause of aberrant splicing (PMID: 17576681, 9536098). Algorithms developed to predict the effect of sequence changes on RNA splicing suggest that this variant is not likely to affect RNA splicing. This variant has not been reported in the literature in individuals affected with ADA2-related conditions. This variant is not present in population databases (gnomAD no frequency). This sequence change falls in intron 9 of the ADA2 gene. It does not directly change the encoded amino acid sequence of the ADA2 protein. It affects a nucleotide within the consensus splice site.

Literature cited by the submitters: PubMed 17576681; PubMed 9536098.

NM_001282225.2(ADA2):c.1442+3G>A

Gene: ADA2 (adenosine deaminase 2; minus strand). Cytogenetic location: 22q11.1.
Variant type: single nucleotide variant.
Coding change: c.1442+3G>A on transcript NM_001282225.2 (MANE Select); 3 bases into the intron after coding-DNA position 1442, G replaced by A.
Molecular consequence: intron variant.
Genome position (GRCh38, 1-based): chr22:17,181,817, C>T on the plus strand (G>A on the coding strand, the complement: ADA2 is on the minus strand). VCF-style: chr22-17181817-C-T. GRCh37 (hg19) VCF-style: chr22-17662707-C-T.
Other names: c.1316+3G>A (NM_001282227.2, NM_001282228.2); c.1082+3G>A (NM_001282229.2); c.1442+3G>A (NM_001282226.2); c.719+3G>A (NM_177405.3).
Identifiers: ClinVar variation 2188358 (VCV002188358.4), dbSNP rs1179084266, ClinGen allele CA751204492.